The following is an entry in ClinVar:

ClinVar aggregate classification (germline): Uncertain significance (1 of 4 stars; one submission).

Submission:

Labcorp Genetics (formerly Invitae), Labcorp
Classification: Uncertain significance. Last evaluated: 2024-12-29. Review status: criteria provided, single submitter. Criteria: Invitae Variant Classification Sherloc (09022015). Collection method: clinical testing. Allele origin: germline.
Comment: This sequence change replaces glutamic acid, which is acidic and polar, with glycine, which is neutral and non-polar, at codon 766 of the MTTP protein (p.Glu766Gly). This variant is not present in population databases (gnomAD no frequency). This variant has not been reported in the literature in individuals affected with MTTP-related conditions. Invitae Evidence Modeling of protein sequence and biophysical properties (such as structural, functional, and spatial information, amino acid conservation, physicochemical variation, residue mobility, and thermodynamic stability) indicates that this missense variant is not expected to disrupt MTTP protein function with a negative predictive value of 80%. In summary, the available evidence is currently insufficient to determine the role of this variant in disease. Therefore, it has been classified as a Variant of Uncertain Significance.

NM_001386140.1(MTTP):c.2297A>G (p.Glu766Gly)

Gene: MTTP (microsomal triglyceride transfer protein; plus strand). Cytogenetic location: 4q23.
Variant type: single nucleotide variant.
Coding change: c.2297A>G on transcript NM_001386140.1 (MANE Select); coding-DNA position 2297, A replaced by G.
Protein change: p.Glu766Gly; replaces glutamic acid 766 with glycine.
Molecular consequence: missense variant.
Genome position (GRCh38, 1-based): chr4:99,619,053, A>G. VCF-style: chr4-99619053-A-G. GRCh37 (hg19) VCF-style: chr4-100540210-A-G.
Other names: c.2297A>G, p.Glu766Gly (NM_000253.4); c.2048A>G, p.Glu683Gly (NM_001300785.2); short protein forms E683G, E766G.
Identifiers: ClinVar variation 3638124 (VCV003638124.2).